The following is an entry in ClinVar:

ClinVar aggregate classification (germline): Conflicting classifications of pathogenicity. Review status: criteria provided, conflicting classifications (1 of 4 stars). 3 submissions from 3 submitters: Uncertain significance (2); Benign (1). Last evaluated 2025-02-01.

Conditions:
Inborn genetic diseases. Identifiers: MedGen C0950123, MeSH D030342.

Allele frequency attached by ClinVar (database versions not stated): gnomAD 0.00009; TOPMed 0.00009; gnomAD exomes 0.00011; ESP Exome Variant Server 0.00015; ExAC 0.00022.
gnomAD v4.1: 168 of 1,610,364 alleles (0.01%); highest among the groups gnomAD compares: Middle Eastern, 0.25%; 1 homozygote.

Submissions (3):

CeGaT Center for Human Genetics Tuebingen
Classification: Benign. Last evaluated: 2025-02-01. Review status: criteria provided, single submitter. Criteria: CeGaT Center For Human Genetics Tuebingen Variant Classification Criteria Version 2. Collection method: clinical testing. Allele origin: germline. Affected: yes. Observed: 2 variant alleles.
Comment: BPTF: BS1, BS2

Labcorp Genetics (formerly Invitae), Labcorp
Classification: Uncertain significance. Last evaluated: 2024-02-24. Review status: criteria provided, single submitter. Criteria: Invitae Variant Classification Sherloc (09022015). Collection method: clinical testing. Allele origin: germline.
Comment: This sequence change replaces threonine, which is neutral and polar, with methionine, which is neutral and non-polar, at codon 2684 of the BPTF protein (p.Thr2684Met). This variant is present in population databases (rs147034943, gnomAD 0.04%), including at least one homozygous and/or hemizygous individual. This variant has not been reported in the literature in individuals affected with BPTF-related conditions. ClinVar contains an entry for this variant (Variation ID: 2180876). An algorithm developed to predict the effect of missense changes on protein structure and function (PolyPhen-2) suggests that this variant is likely to be disruptive. In summary, the available evidence is currently insufficient to determine the role of this variant in disease. Therefore, it has been classified as a Variant of Uncertain Significance.

Ambry Genetics
Classification: Uncertain significance for Inborn genetic diseases. Last evaluated: 2022-08-11. Review status: criteria provided, single submitter. Criteria: Ambry Variant Classification Scheme 2023. Collection method: clinical testing. Allele origin: germline.

NM_182641.4(BPTF):c.8102C>T (p.Thr2701Met)

Gene: BPTF (bromodomain PHD finger transcription factor; plus strand). Cytogenetic location: 17q24.2.
Variant type: single nucleotide variant.
Coding change: c.8102C>T on transcript NM_182641.4 (MANE Select); coding-DNA position 8102, C replaced by T.
Protein change: p.Thr2701Met; replaces threonine 2701 with methionine.
Molecular consequence: missense variant.
Genome position (GRCh38, 1-based): chr17:67,959,716, C>T. VCF-style: chr17-67959716-C-T. GRCh37 (hg19) VCF-style: chr17-65955832-C-T.
Other names: c.8051C>T, p.Thr2684Met (NM_004459.7); c.8102C>T (NM_182641.3); short protein forms T2684M, T2701M.
Identifiers: ClinVar variation 2180876 (VCV002180876.28), dbSNP rs147034943, ClinGen allele CA8726524.